The following is an entry in ClinVar:

ClinVar aggregate classification (germline): Uncertain significance. Review status: criteria provided, multiple submitters, no conflicts (2 of 4 stars). 3 submissions from 3 submitters: Uncertain significance (3). Last evaluated 2026-04-28.

Conditions:
Schimke immuno-osseous dysplasia (SIOD). Also called: Schimke Immunoosseous Dysplasia. Identifiers: Orphanet 1830, MedGen C0877024, MONDO:0009458, OMIM 242900.

Allele frequency attached by ClinVar (database versions not stated): gnomAD 0.00001; ExAC 0.00002; gnomAD exomes 0.00002 and 0.00004; TOPMed 0.00002.
gnomAD v4.1: 58 of 1,614,100 alleles (0.0036%); highest among the groups gnomAD compares: Non-Finnish European, 0.0049%; no homozygotes.

Submissions (3):

Clinical Genomics Laboratory, Washington University in St. Louis
Classification: Uncertain significance for Schimke immuno-osseous dysplasia. Last evaluated: 2026-04-28. Review status: criteria provided, single submitter. Criteria: ACMG Guidelines, 2015. Collection method: clinical testing. Allele origin: germline.
Comment: The SMARCAL1 c.1411A>G (p.Ile471Val) variant, to our knowledge, has not been reported in the medical literature. This variant has been reported in the ClinVar database as a germline variant of uncertain significance by one submitter. This variant is only observed in 6/282,854 alleles in the general population (gnomAD v2.1.1), indicating it is not a common variant. Computational predictors suggest that the variant does not impact SMARCAL1 function. Due to limited information, and based on ACMG/AMP guidelines for variant interpretation (Richards S et al., PMID: 25741868), the clinical significance of this variant is uncertain at this time.

Labcorp Genetics (formerly Invitae), Labcorp
Classification: Uncertain significance for Schimke immuno-osseous dysplasia. Last evaluated: 2026-02-02. Review status: criteria provided, single submitter. Criteria: Invitae Variant Classification Sherloc (09022015). Collection method: clinical testing. Allele origin: germline.
Comment: This sequence change replaces isoleucine, which is neutral and non-polar, with valine, which is neutral and non-polar, at codon 471 of the SMARCAL1 protein (p.Ile471Val). This variant is present in population databases (rs770049590, gnomAD 0.005%). This variant has not been reported in the literature in individuals affected with SMARCAL1-related conditions. ClinVar contains an entry for this variant (Variation ID: 1446652). Invitae Evidence Modeling of protein sequence and biophysical properties (such as structural, functional, and spatial information, amino acid conservation, physicochemical variation, residue mobility, and thermodynamic stability) indicates that this missense variant is not expected to disrupt SMARCAL1 protein function with a negative predictive value of 80%. In summary, the available evidence is currently insufficient to determine the role of this variant in disease. Therefore, it has been classified as a Variant of Uncertain Significance.

Fulgent Genetics
Classification: Uncertain significance for Schimke immuno-osseous dysplasia. Last evaluated: 2024-06-20. Review status: criteria provided, single submitter. Criteria: ACMG Guidelines, 2015. Collection method: clinical testing. Allele origin: germline.

NM_014140.4(SMARCAL1):c.1411A>G (p.Ile471Val)

Gene: SMARCAL1 (SNF2 related chromatin remodeling annealing helicase 1; plus strand). Cytogenetic location: 2q35.
Variant type: single nucleotide variant.
Coding change: c.1411A>G on transcript NM_014140.4 (MANE Select); coding-DNA position 1411, A replaced by G.
Protein change: p.Ile471Val; replaces isoleucine 471 with valine.
Molecular consequence: missense variant.
Genome position (GRCh38, 1-based): chr2:216,432,794, A>G. VCF-style: chr2-216432794-A-G. GRCh37 (hg19) VCF-style: chr2-217297517-A-G.
Other names: c.1411A>G, p.Ile471Val (NM_001127207.2); short protein forms I471V.
Identifiers: ClinVar variation 1446652 (VCV001446652.7), dbSNP rs770049590, ClinGen allele CA2097870.